The following is an entry in ClinVar:

ClinVar aggregate classification (germline): Uncertain significance (0 of 4 stars; one submission).

Conditions:
TENM4-related disorder. Also called: TENM4-related condition.

Allele frequency attached by ClinVar (database versions not stated): gnomAD exomes below 0.00001.
gnomAD v4.1: 1 of 1,613,910 alleles (0.000062%); highest among the groups gnomAD compares: African/African-American, 0.0013%; no homozygotes.

Submission:

PreventionGenetics, part of Exact Sciences
Classification: Uncertain significance for TENM4-related condition. Last evaluated: 2024-01-18. Review status: no assertion criteria provided. Collection method: clinical testing. Allele origin: germline.
Comment: The TENM4 c.5213T>C variant is predicted to result in the amino acid substitution p.Ile1738Thr. To our knowledge, this variant has not been reported in the literature or in a large population database, indicating this variant is rare. At this time, the clinical significance of this variant is uncertain due to the absence of conclusive functional and genetic evidence.

NM_001098816.3(TENM4):c.5213T>C (p.Ile1738Thr)

Gene: TENM4 (teneurin transmembrane protein 4; minus strand). Cytogenetic location: 11q14.1.
Variant type: single nucleotide variant.
Coding change: c.5213T>C on transcript NM_001098816.3 (MANE Select); coding-DNA position 5213, T replaced by C.
Protein change: p.Ile1738Thr; replaces isoleucine 1738 with threonine.
Molecular consequence: missense variant.
Genome position (GRCh38, 1-based): chr11:78,688,101, A>G on the plus strand (T>C on the coding strand, the complement: TENM4 is on the minus strand). VCF-style: chr11-78688101-A-G. GRCh37 (hg19) VCF-style: chr11-78399146-A-G.
Other names: short protein forms I1738T.
Identifiers: ClinVar variation 3030588 (VCV003030588.2), dbSNP rs965848850, ClinGen allele CA224942586.